The following is an entry in ClinVar:

NM_001369.3(DNAH5):c.401A>G (p.Asp134Gly)

Gene: DNAH5 (dynein axonemal heavy chain 5; minus strand). Cytogenetic location: 5p15.2.
Variant type: single nucleotide variant.
Coding change: c.401A>G on transcript NM_001369.3 (MANE Select); coding-DNA position 401, A replaced by G.
Protein change: p.Asp134Gly; replaces aspartic acid 134 with glycine.
Molecular consequence: missense variant.
Genome position (GRCh38, 1-based): chr5:13,923,317, T>C on the plus strand (A>G on the coding strand, the complement: DNAH5 is on the minus strand). VCF-style: chr5-13923317-T-C. GRCh37 (hg19) VCF-style: chr5-13923426-T-C.
Other names: short protein forms D134G.
Identifiers: ClinVar variation 2174581 (VCV002174581.1), dbSNP rs2547160038, ClinGen allele CA359223672.

ClinVar aggregate classification (germline): Uncertain significance (1 of 4 stars; one submission).

Conditions:
Primary ciliary dyskinesia. Also called: Ciliary dyskinesia. Identifiers: Orphanet 244, MedGen C0008780, MONDO:0016575, HP:0012265.

Submission:

Labcorp Genetics (formerly Invitae), Labcorp
Classification: Uncertain significance for Primary ciliary dyskinesia. Last evaluated: 2022-06-21. Review status: criteria provided, single submitter. Criteria: Invitae Variant Classification Sherloc (09022015). Collection method: clinical testing. Allele origin: germline.
Comment: This sequence change replaces aspartic acid, which is acidic and polar, with glycine, which is neutral and non-polar, at codon 134 of the DNAH5 protein (p.Asp134Gly). This variant is not present in population databases (gnomAD no frequency). This variant has not been reported in the literature in individuals affected with DNAH5-related conditions. Advanced modeling of protein sequence and biophysical properties (such as structural, functional, and spatial information, amino acid conservation, physicochemical variation, residue mobility, and thermodynamic stability) performed at Invitae indicates that this missense variant is not expected to disrupt DNAH5 protein function. In summary, the available evidence is currently insufficient to determine the role of this variant in disease. Therefore, it has been classified as a Variant of Uncertain Significance.